The following is an entry in ClinVar:

ClinVar aggregate classification (germline): Benign/Likely benign. Review status: criteria provided, multiple submitters, no conflicts (2 of 4 stars). 5 submissions from 5 submitters: Benign (1); Likely benign (3). 1 of the submissions does not count toward it. Last evaluated 2026-01-30.

Conditions:
Cardiovascular phenotype. Identifiers: MedGen CN230736.
TBX1-related disorder. Also called: TBX1-related condition; TBX1-Related Disorders.
DiGeorge syndrome. Also called: THIRD AND FOURTH PHARYNGEAL POUCH SYNDROME; Catch22. Identifiers: Orphanet 567, MedGen C0012236, MONDO:0008564, OMIM 188400.

Allele frequency attached by ClinVar (database versions not stated): gnomAD 0.00007 and 0.00008; gnomAD exomes 0.00014 and 0.00062; TOPMed 0.00019; ExAC 0.00063.
gnomAD v4.1: 79 of 1,480,198 alleles (0.0053%); highest among the groups gnomAD compares: Admixed American, 0.2%; 1 homozygote.

Submissions (5):

Labcorp Genetics (formerly Invitae), Labcorp
Classification: Benign for DiGeorge syndrome. Last evaluated: 2026-01-30. Review status: criteria provided, single submitter. Criteria: Invitae Variant Classification Sherloc (09022015). Collection method: clinical testing. Allele origin: germline.

Blueprint Genetics
Classification: Likely benign. Last evaluated: 2024-09-06. Review status: criteria provided, single submitter. Criteria: ACMG Guidelines, 2015. Collection method: clinical testing. Allele origin: germline.

Ambry Genetics
Classification: Likely benign for Cardiovascular phenotype. Last evaluated: 2022-03-06. Review status: criteria provided, single submitter. Criteria: Ambry Variant Classification Scheme 2023. Collection method: clinical testing. Allele origin: germline.

GeneDx
Classification: Likely benign. Last evaluated: 2020-11-04. Review status: criteria provided, single submitter. Criteria: GeneDx Variant Classification Process June 2021. Collection method: clinical testing. Allele origin: germline. Affected: yes.

PreventionGenetics, part of Exact Sciences
Classification: Benign for TBX1-related condition. Last evaluated: 2021-02-16. Review status: no assertion criteria provided. Collection method: clinical testing. Allele origin: germline. Not counted in ClinVar's aggregate classification.
Comment: This variant is classified as benign based on ACMG/AMP sequence variant interpretation guidelines (Richards et al. 2015 PMID: 25741868, with internal and published modifications).

NM_001379200.1(TBX1):c.1424C>T (p.Ala475Val)

Gene: TBX1 (T-box transcription factor 1; plus strand). Cytogenetic location: 22q11.21.
Variant type: single nucleotide variant.
Coding change: c.1424C>T on transcript NM_001379200.1 (MANE Select); coding-DNA position 1424, C replaced by T.
Protein change: p.Ala475Val; replaces alanine 475 with valine.
Molecular consequence: missense variant. On other transcripts: intron variant (2).
Genome position (GRCh38, 1-based): chr22:19,766,776, C>T. VCF-style: chr22-19766776-C-T. GRCh37 (hg19) VCF-style: chr22-19754299-C-T.
Other names: c.1397C>T, p.Ala466Val (NM_080647.1); c.1009+774C>T (NM_005992.1, NM_080646.2); short protein forms A466V, A475V.
Identifiers: ClinVar variation 431834 (VCV000431834.18), dbSNP rs753613632, ClinGen allele CA10102758.